The following is an entry in ClinVar:

NM_176787.5(PIGN):c.984G>A (p.Met328Ile)

Gene: PIGN (phosphatidylinositol glycan anchor biosynthesis class N; minus strand). Cytogenetic location: 18q21.33.
Variant type: single nucleotide variant.
Coding change: c.984G>A on transcript NM_176787.5 (MANE Select); coding-DNA position 984, G replaced by A.
Protein change: p.Met328Ile; replaces methionine 328 with isoleucine.
Molecular consequence: missense variant.
Genome position (GRCh38, 1-based): chr18:62,140,459, C>T on the plus strand (G>A on the coding strand, the complement: PIGN is on the minus strand). VCF-style: chr18-62140459-C-T. GRCh37 (hg19) VCF-style: chr18-59807692-C-T.
Other names: c.984G>A, p.Met328Ile (NM_012327.6); short protein forms M328I.
Identifiers: ClinVar variation 1675710 (VCV001675710.33), dbSNP rs779323515, ClinGen allele CA8982430.

ClinVar aggregate classification (germline): Uncertain significance (1 of 4 stars; one submission).

Allele frequency attached by ClinVar (database versions not stated): ExAC 0.00002.
gnomAD v4.1: 2 of 1,556,094 alleles (0.00013%); highest among the groups gnomAD compares: Non-Finnish European, 0.00018%; no homozygotes.

Submission:

CeGaT Center for Human Genetics Tuebingen
Classification: Uncertain significance. Last evaluated: 2022-03-01. Review status: criteria provided, single submitter. Criteria: CeGaT Center For Human Genetics Tuebingen Variant Classification Criteria Version 2. Collection method: clinical testing. Allele origin: germline. Affected: yes. Observed: 1 variant allele.
Comment: PIGN: PM2, PM3, BP4